The following is an entry in ClinVar:

ClinVar aggregate classification (germline): Uncertain significance. Review status: criteria provided, multiple submitters, no conflicts (2 of 4 stars). 5 submissions from 5 submitters: Uncertain significance (5). Last evaluated 2025-01-14.

Conditions:
Neurofibromatosis, type 2 (SWNV). Also called: BILATERAL ACOUSTIC NEUROFIBROMATOSIS; NF2-Related Schwannomatosis; SCHWANNOMATOSIS, VESTIBULAR. Identifiers: Orphanet 637, MedGen C0027832, MONDO:0007039, OMIM 101000. Disease mechanism: loss of function.
Hereditary cancer-predisposing syndrome. Also called: Neoplastic Syndromes, Hereditary; Tumor predisposition; Hereditary neoplastic syndrome; Hereditary Cancer Syndrome. Identifiers: Orphanet 140162, MedGen C0027672, MeSH D009386, MONDO:0015356.
Familial meningioma. Also called: Meningioma, familial, susceptibility to. Identifiers: Orphanet 263662, MedGen C3551915, MONDO:0011789, OMIM 607174.

Allele frequency attached by ClinVar (database versions not stated): gnomAD exomes below 0.00001; gnomAD 0.00001.

Submissions (5):

GeneDx
Classification: Uncertain significance. Last evaluated: 2025-01-14. Review status: criteria provided, single submitter. Criteria: GeneDx Variant Classification Process June 2021. Collection method: clinical testing. Allele origin: germline. Affected: yes.
Comment: In silico analysis supports that this missense variant has a deleterious effect on protein structure/function; Has not been previously published as pathogenic or benign to our knowledge; This variant is associated with the following publications: (PMID: 16324214, 17134719, 22482125)

Labcorp Genetics (formerly Invitae), Labcorp
Classification: Uncertain significance for Neurofibromatosis, type 2. Last evaluated: 2025-01-08. Review status: criteria provided, single submitter. Criteria: Invitae Variant Classification Sherloc (09022015). Collection method: clinical testing. Allele origin: germline.
Comment: This sequence change replaces glutamic acid, which is acidic and polar, with lysine, which is basic and polar, at codon 392 of the NF2 protein (p.Glu392Lys). The frequency data for this variant in the population databases is considered unreliable, as metrics indicate poor data quality at this position in the gnomAD database. This variant has not been reported in the literature in individuals affected with NF2-related conditions. ClinVar contains an entry for this variant (Variation ID: 1007883). Invitae Evidence Modeling of protein sequence and biophysical properties (such as structural, functional, and spatial information, amino acid conservation, physicochemical variation, residue mobility, and thermodynamic stability) indicates that this missense variant is expected to disrupt NF2 protein function with a positive predictive value of 80%. In summary, the available evidence is currently insufficient to determine the role of this variant in disease. Therefore, it has been classified as a Variant of Uncertain Significance.

Ambry Genetics
Classification: Uncertain significance for Hereditary cancer-predisposing syndrome. Last evaluated: 2023-11-28. Review status: criteria provided, single submitter. Criteria: Ambry Variant Classification Scheme 2023. Collection method: clinical testing. Allele origin: germline.
Comment: The p.E392K variant (also known as c.1174G>A), located in coding exon 12 of the NF2 gene, results from a G to A substitution at nucleotide position 1174. The glutamic acid at codon 392 is replaced by lysine, an amino acid with similar properties. This amino acid position is highly conserved in available vertebrate species. In addition, this alteration is predicted to be deleterious by in silico analysis. Since supporting evidence is limited at this time, the clinical significance of this alteration remains unclear.

Baylor Genetics
Classification: Uncertain significance for Familial meningioma. Last evaluated: 2023-09-07. Review status: criteria provided, single submitter. Criteria: ACMG Guidelines, 2015. Collection method: clinical testing. Allele origin: unknown.

Juno Genomics, Hangzhou Juno Genomics, Inc
Classification: Uncertain significance for Neurofibromatosis, type 2; Familial meningioma. Review status: criteria provided, single submitter. Criteria: ACMG Guidelines, 2015. Collection method: clinical testing. Allele origin: germline.
Comment: Absent from controls (or at extremely low frequency if recessive) in Genome Aggregation Database.;Multiple lines of computational evidence support a deleterious effect on the gene or gene product.

NM_000268.4(NF2):c.1174G>A (p.Glu392Lys)

Gene: NF2 (NF2, moesin-ezrin-radixin like (MERLIN) tumor suppressor; plus strand). Cytogenetic location: 22q12.2.
Variant type: single nucleotide variant.
Coding change: c.1174G>A on transcript NM_000268.4 (MANE Select); coding-DNA position 1174, G replaced by A.
Protein change: p.Glu392Lys; replaces glutamic acid 392 with lysine.
Molecular consequence: missense variant. On other transcripts: non-coding transcript variant (1), intron variant (1).
Genome position (GRCh38, 1-based): chr22:29,673,320, G>A. VCF-style: chr22-29673320-G-A. GRCh37 (hg19) VCF-style: chr22-30069309-G-A.
Other names: c.1174G>A, p.Glu392Lys (NM_016418.5, NM_181825.3, NM_181832.3); c.1048G>A, p.Glu350Lys (NM_181828.3); c.1051G>A, p.Glu351Lys (NM_181829.3); c.925G>A, p.Glu309Lys (NM_181830.3, NM_181831.3); c.448-21432G>A (NM_181833.3); short protein forms E309K, E350K, E351K, E392K.
Identifiers: ClinVar variation 1007883 (VCV001007883.15), dbSNP rs1026724985, ClinGen allele CA323116566.